The following is an entry in ClinVar:

ClinVar aggregate classification (germline): Benign. Review status: criteria provided, multiple submitters, no conflicts (2 of 4 stars). 3 submissions from 3 submitters: Benign (3). Last evaluated 2026-01-21.

Submissions (3):

Labcorp Genetics (formerly Invitae), Labcorp
Classification: Benign. Last evaluated: 2026-01-21. Review status: criteria provided, single submitter. Criteria: Invitae Variant Classification Sherloc (09022015). Collection method: clinical testing. Allele origin: germline.

Mayo Clinic Laboratories, Mayo Clinic
Classification: Benign. Last evaluated: 2023-01-25. Review status: criteria provided, single submitter. Criteria: ACMG Guidelines, 2015. Collection method: clinical testing. Allele origin: germline. Observed: 5 variant alleles.
Comment: BS1, BS2

GeneDx
Classification: Benign. Last evaluated: 2021-05-04. Review status: criteria provided, single submitter. Criteria: GeneDx Variant Classification Process June 2021. Collection method: clinical testing. Allele origin: germline. Affected: yes.
Comment: In-frame duplication of 2 amino acids in a non-repeat region; Has not been previously published as pathogenic or benign to our knowledge

NM_021076.4(NEFH):c.1500_1505dup (p.Thr501_Lys502dup)

Gene: NEFH (neurofilament heavy chain; plus strand). Cytogenetic location: 22q12.2.
Variant type: Duplication.
Coding change: c.1500_1505dup on transcript NM_021076.4 (MANE Select); coding-DNA positions 1500 to 1505, 6 bases duplicated (AACAAA; older notation c.1500_1505dupAACAAA).
Protein change: p.Thr501_Lys502dup.
Molecular consequence: inframe insertion.
Genome position (GRCh38, 1-based): chr22:29,489,140-29,489,145, AACAAA duplicated; duplicating any 6 consecutive bases within chr22:29,489,139-29,489,145 gives the same sequence; the c. name uses the placement nearest the transcript's 3' end. VCF-style (leftmost placement, unchanged base first): chr22-29489138-G-GAAACAA. GRCh37 (hg19) VCF-style: chr22-29885127-G-GAAACAA.
Other names: p.Thr501_Lys502dup; c.1500_1505dup (NM_021076.3).
Identifiers: ClinVar variation 714905 (VCV000714905.11), dbSNP rs576586746, ClinGen allele CA10174222.
Genomic context (GRCh38, chr22:29,489,138, plus strand): 5'-GAGGAGGAGGGCAAGGAGGAAGAAGGGGGTGAAGAAGAGGAGGCAGAAGGGGGAGAAGAA[G>GAAACAA]AAACAAAGTCTCCCCCAGCAGAAGAGGCTGCATCCCCAGAGAAGGAAGCCAAGTCACCAG-3'